The following is an entry in ClinVar:

ClinVar aggregate classification (germline): Uncertain significance (1 of 4 stars; one submission).

Submission:

Labcorp Genetics (formerly Invitae), Labcorp
Classification: Uncertain significance. Last evaluated: 2022-08-10. Review status: criteria provided, single submitter. Criteria: Invitae Variant Classification Sherloc (09022015). Collection method: clinical testing. Allele origin: germline.
Comment: In summary, the available evidence is currently insufficient to determine the role of this variant in disease. Therefore, it has been classified as a Variant of Uncertain Significance. Experimental studies and prediction algorithms are not available or were not evaluated, and the functional significance of this variant is currently unknown. This variant has not been reported in the literature in individuals affected with FSCN2-related conditions. This variant is not present in population databases (gnomAD no frequency). This sequence change creates a premature translational stop signal (p.Tyr492*) in the FSCN2 gene. While this is not anticipated to result in nonsense mediated decay, it is expected to disrupt the last 25 amino acid(s) of the FSCN2 protein.

NM_012418.4(FSCN2):c.1404C>A (p.Tyr468Ter)

Gene: FSCN2 (fascin actin-bundling protein 2, retinal; plus strand). Cytogenetic location: 17q25.3.
Variant type: single nucleotide variant.
Coding change: c.1404C>A on transcript NM_012418.4 (MANE Select); coding-DNA position 1404, C replaced by A.
Protein change: p.Tyr468Ter; replaces tyrosine 468 with a stop codon.
Molecular consequence: nonsense.
Genome position (GRCh38, 1-based): chr17:81,537,005, C>A. VCF-style: chr17-81537005-C-A. GRCh37 (hg19) VCF-style: chr17-79504031-C-A.
Other names: c.1476C>A, p.Tyr492Ter (NM_001077182.3); short protein forms Y468*, Y492*.
Identifiers: ClinVar variation 1958850 (VCV001958850.5), dbSNP rs779609021, ClinGen allele CA8837135.